The following is an entry in ClinVar:

NM_017780.4(CHD7):c.2822A>C (p.Glu941Ala)

Gene: CHD7 (chromodomain helicase DNA binding protein 7; plus strand). Cytogenetic location: 8q12.2.
Variant type: single nucleotide variant.
Coding change: c.2822A>C on transcript NM_017780.4 (MANE Select); coding-DNA position 2822, A replaced by C.
Protein change: p.Glu941Ala; replaces glutamic acid 941 with alanine.
Molecular consequence: missense variant. On other transcripts: intron variant (1).
Genome position (GRCh38, 1-based): chr8:60,821,914, A>C. VCF-style: chr8-60821914-A-C. GRCh37 (hg19) VCF-style: chr8-61734473-A-C.
Other names: c.1717-40315A>C (NM_001316690.1); short protein forms E941A.
Identifiers: ClinVar variation 2698988 (VCV002698988.3), dbSNP rs2487805750, ClinGen allele CA371308005.
Genomic context (GRCh38, chr8:60,821,914, plus strand): 5'-GGCAGGACATAGATCAAGCAAAGATCGAGGAGTTTGAGAAACTAATGTCCAGGGAGCCGG[A>C]AACAGAGCGTGTGGTAAGAATTGGCTGATGGTAGAGAATTTAATTTGAAAATAGCATAGT-3'
Protein context (NP_060250.2, residues 931-951): EFEKLMSREP[Glu941Ala]TERVERPPAD

ClinVar aggregate classification (germline): Uncertain significance (1 of 4 stars; one submission).

Conditions:
CHARGE syndrome (CHARGE). Also called: Hittner Hirsch Kreh syndrome; CHARGE ASSOCIATION--COLOBOMA, HEART ANOMALY, CHOANAL ATRESIA, RETARDATION, GENITAL AND EAR ANOMALIES; Coloboma, heart anomaly, choanal atresia, retardation, genital and ear anomalies; CHARGE association; Hall-Hittner syndrome. Identifiers: Orphanet 138, MedGen C0265354, MONDO:0008965.

Submission:

Labcorp Genetics (formerly Invitae), Labcorp
Classification: Uncertain significance for CHARGE syndrome. Last evaluated: 2023-12-21. Review status: criteria provided, single submitter. Criteria: Invitae Variant Classification Sherloc (09022015). Collection method: clinical testing. Allele origin: germline.
Comment: This sequence change replaces glutamic acid, which is acidic and polar, with alanine, which is neutral and non-polar, at codon 941 of the CHD7 protein (p.Glu941Ala). This variant is not present in population databases (gnomAD no frequency). This variant has not been reported in the literature in individuals affected with CHD7-related conditions. Advanced modeling of protein sequence and biophysical properties (such as structural, functional, and spatial information, amino acid conservation, physicochemical variation, residue mobility, and thermodynamic stability) performed at Invitae indicates that this missense variant is not expected to disrupt CHD7 protein function with a negative predictive value of 80%. In summary, the available evidence is currently insufficient to determine the role of this variant in disease. Therefore, it has been classified as a Variant of Uncertain Significance.